The following is an entry in ClinVar:

NM_139057.4(ADAMTS17):c.1292G>A (p.Cys431Tyr)

Gene: ADAMTS17 (ADAM metallopeptidase with thrombospondin type 1 motif 17; minus strand). Cytogenetic location: 15q26.3.
Variant type: single nucleotide variant.
Coding change: c.1292G>A on transcript NM_139057.4 (MANE Select); coding-DNA position 1292, G replaced by A.
Protein change: p.Cys431Tyr; replaces cysteine 431 with tyrosine.
Molecular consequence: missense variant.
Genome position (GRCh38, 1-based): chr15:100,155,210, C>T on the plus strand (G>A on the coding strand, the complement: ADAMTS17 is on the minus strand). VCF-style: chr15-100155210-C-T. GRCh37 (hg19) VCF-style: chr15-100695415-C-T.
Other names: short protein forms C431Y.
Identifiers: ClinVar variation 2004798 (VCV002004798.4), dbSNP rs2548477500, ClinGen allele CA393934437.

ClinVar aggregate classification (germline): Uncertain significance (1 of 4 stars; one submission).

Submission:

Labcorp Genetics (formerly Invitae), Labcorp
Classification: Uncertain significance. Last evaluated: 2022-06-11. Review status: criteria provided, single submitter. Criteria: Invitae Variant Classification Sherloc (09022015). Collection method: clinical testing. Allele origin: germline.
Comment: In summary, the available evidence is currently insufficient to determine the role of this variant in disease. Therefore, it has been classified as a Variant of Uncertain Significance. Algorithms developed to predict the effect of missense changes on protein structure and function are either unavailable or do not agree on the potential impact of this missense change (SIFT: "Not Available"; PolyPhen-2: "Probably Damaging"; Align-GVGD: "Not Available"). This variant has not been reported in the literature in individuals affected with ADAMTS17-related conditions. This variant is not present in population databases (gnomAD no frequency). This sequence change replaces cysteine, which is neutral and slightly polar, with tyrosine, which is neutral and polar, at codon 431 of the ADAMTS17 protein (p.Cys431Tyr).